The following is an entry in ClinVar:

ClinVar aggregate classification (germline): other (0 of 4 stars; one submission).

Conditions:
Familial colorectal cancer. Identifiers: MedGen CN280943, MONDO:0023113. Disease mechanism: loss of function.

Submission:

Systems Biology Platform Zhejiang California International NanoSystems Institute
Classification: other for Familial colorectal cancer. Review status: no assertion criteria provided. Collection method: not provided. Allele origin: unknown.
ClinVar note: Converted during submission from cancer to other.

NC_000005.10:g.112849707G>T

Variant type: single nucleotide variant.
Genome position: GRCh38 VCF-style: chr5-112849707-G-T. GRCh37 (hg19) VCF-style: chr5-112185404-G-T.
Identifiers: ClinVar variation 83293 (VCV000083293.3), dbSNP rs78413161, ClinGen allele CA250985.